The following is an entry in ClinVar:

NM_000135.4(FANCA):c.3708A>C (p.Gln1236His)

Gene: FANCA (FA complementation group A; minus strand). Cytogenetic location: 16q24.3.
Variant type: single nucleotide variant.
Coding change: c.3708A>C on transcript NM_000135.4 (MANE Select); coding-DNA position 3708, A replaced by C.
Protein change: p.Gln1236His; replaces glutamine 1236 with histidine.
Molecular consequence: missense variant.
Genome position (GRCh38, 1-based): chr16:89,742,857, T>G on the plus strand (A>C on the coding strand, the complement: FANCA is on the minus strand). VCF-style: chr16-89742857-T-G. GRCh37 (hg19) VCF-style: chr16-89809265-T-G.
Other names: c.3708A>C, p.Gln1236His (NM_001286167.3); short protein forms Q1236H.
Identifiers: ClinVar variation 1059843 (VCV001059843.6), dbSNP rs1192518263, ClinGen allele CA397485395.

ClinVar aggregate classification (germline): Uncertain significance (1 of 4 stars; one submission).

Conditions:
Fanconi anemia (FA). Also called: Fanconi's anemia. Identifiers: Orphanet 84, MedGen C0015625, MeSH D005199, MONDO:0019391.

Allele frequency attached by ClinVar (database versions not stated): TOPMed 0.00001.

Submission:

Labcorp Genetics (formerly Invitae), Labcorp
Classification: Uncertain significance for Fanconi anemia. Last evaluated: 2021-08-26. Review status: criteria provided, single submitter. Criteria: Invitae Variant Classification Sherloc (09022015). Collection method: clinical testing. Allele origin: germline.
Comment: This sequence change replaces glutamine with histidine at codon 1236 of the FANCA protein (p.Gln1236His). The glutamine residue is moderately conserved and there is a small physicochemical difference between glutamine and histidine. This variant is not present in population databases (ExAC no frequency). This variant has not been reported in the literature in individuals affected with FANCA-related conditions. Algorithms developed to predict the effect of missense changes on protein structure and function (SIFT, PolyPhen-2, Align-GVGD) all suggest that this variant is likely to be tolerated. In summary, the available evidence is currently insufficient to determine the role of this variant in disease. Therefore, it has been classified as a Variant of Uncertain Significance.